The following is an entry in ClinVar:

NM_000843.4(GRM6):c.1160A>C (p.Glu387Ala)

Genes: ZNF454 (zinc finger protein 454; plus strand), GRM6 (glutamate metabotropic receptor 6; minus strand). Cytogenetic location: 5q35.3.
Variant type: single nucleotide variant.
Coding change: c.1160A>C on transcript NM_000843.4 (MANE Select); coding-DNA position 1160, A replaced by C.
Protein change: p.Glu387Ala; replaces glutamic acid 387 with alanine.
Molecular consequence: missense variant.
Genome position (GRCh38, 1-based): chr5:178,989,129, T>G on the plus strand (A>C on the coding strand, the complement: GRM6 is on the minus strand). VCF-style: chr5-178989129-T-G. GRCh37 (hg19) VCF-style: chr5-178416130-T-G.
Other names: short protein forms E387A.
Identifiers: ClinVar variation 4294087 (VCV004294087.1).

ClinVar aggregate classification (germline): Uncertain significance (1 of 4 stars; one submission).

Conditions:
Congenital stationary night blindness 1B. Also called: NIGHT BLINDNESS, CONGENITAL STATIONARY, COMPLETE, AUTOSOMAL RECESSIVE; Night blindness, congenital stationary (complete), 1B, autosomal recessive. Identifiers: Orphanet 215, MedGen C1850362, MONDO:0009758, OMIM 257270.

gnomAD v4.1: 15 of 1,613,772 alleles (0.00093%); highest among the groups gnomAD compares: East Asian, 0.033%; no homozygotes.

Submission:

3billion
Classification: Uncertain significance for Congenital stationary night blindness 1B. Last evaluated: 2024-06-20. Review status: criteria provided, single submitter. Criteria: ACMG Guidelines, 2015. Collection method: clinical testing. Allele origin: germline. Affected: yes.
Comment: The variant is observed at an extremely low frequency in the gnomAD v4.0.0 dataset (total allele frequency: 0.001%). Predicted Consequence/Location: The majority of the known disease-causing variants of this gene are variants expected to result in premature termination of the protein. In silico tool predictions suggest damaging effect of the variant on gene or gene product [REVEL: 0.86 (>=0.6, sensitivity 0.68 and specificity 0.92)]. Therefore, this variant is classified as VUS according to the recommendation of ACMG/AMP guideline.